The following is an entry in ClinVar:

ClinVar aggregate classification (germline): Uncertain significance (1 of 4 stars; one submission).

Submission:

GeneDx
Classification: Uncertain significance. Last evaluated: 2025-07-24. Review status: criteria provided, single submitter. Criteria: GeneDx Variant Classification Process June 2021. Collection method: clinical testing. Allele origin: germline. Affected: yes.
Comment: Not observed at significant frequency in large population cohorts (gnomAD); In silico analysis supports that this missense variant has a deleterious effect on protein structure/function; Has not been previously published as pathogenic or benign to our knowledge

NM_001330700.2(TOP2B):c.2599C>T (p.Pro867Ser)

Gene: TOP2B (DNA topoisomerase II beta; minus strand). Cytogenetic location: 3p24.2.
Variant type: single nucleotide variant.
Coding change: c.2599C>T on transcript NM_001330700.2 (MANE Select); coding-DNA position 2599, C replaced by T.
Protein change: p.Pro867Ser; replaces proline 867 with serine.
Molecular consequence: missense variant.
Genome position (GRCh38, 1-based): chr3:25,623,643, G>A on the plus strand (C>T on the coding strand, the complement: TOP2B is on the minus strand). VCF-style: chr3-25623643-G-A. GRCh37 (hg19) VCF-style: chr3-25665134-G-A.
Other names: c.2584C>T, p.Pro862Ser (NM_001068.3); short protein forms P862S, P867S.
Identifiers: ClinVar variation 4689945 (VCV004689945.1).